The following is an entry in ClinVar:

NM_014946.4(SPAST):c.124C>G (p.Pro42Ala)

Gene: SPAST (spastin; plus strand). Cytogenetic location: 2p22.3.
Variant type: single nucleotide variant.
Coding change: c.124C>G on transcript NM_014946.4 (MANE Select); coding-DNA position 124, C replaced by G.
Protein change: p.Pro42Ala; replaces proline 42 with alanine.
Molecular consequence: missense variant.
Genome position (GRCh38, 1-based): chr2:32,063,955, C>G. VCF-style: chr2-32063955-C-G. GRCh37 (hg19) VCF-style: chr2-32289024-C-G.
Other names: c.124C>G, p.Pro42Ala (NM_001363823.2, NM_001363875.2, NM_001377959.1 and 1 more transcripts); short protein forms P42A.
Identifiers: ClinVar variation 2109426 (VCV002109426.4), dbSNP rs367843598, ClinGen allele CA346601396.
Genomic context (GRCh38, chr2:32,063,955, plus strand): 5'-CCCAGGCCTCCGCCCCCTTGCCTGGCCCCCGCCCCTCCCGCCGCCGGGCCGGCCCCTCCG[C>G]CCGAGTCGCCGCATAAGCGGAACCTGTACTATTTCTCCTACCCGCTGTTTGTAGGCTTCG-3'
Protein context (NP_055761.2, residues 32-52): APPAAGPAPP[Pro42Ala]ESPHKRNLYY

ClinVar aggregate classification (germline): Uncertain significance (1 of 4 stars; one submission).

Conditions:
Hereditary spastic paraplegia 4. Also called: Familial spastic paraplegia autosomal dominant 2; Spastic paraplegia 4, autosomal dominant; Spastic Paraplegia 4. Identifiers: Orphanet 100985, MedGen C1866855, MONDO:0008438, OMIM 182601.

gnomAD v4.1: 1 of 1,611,428 alleles (0.000062%); highest among the groups gnomAD compares: Admixed American, 0.0017%; no homozygotes.

Submission:

Labcorp Genetics (formerly Invitae), Labcorp
Classification: Uncertain significance for Hereditary spastic paraplegia 4. Last evaluated: 2022-07-17. Review status: criteria provided, single submitter. Criteria: Invitae Variant Classification Sherloc (09022015). Collection method: clinical testing. Allele origin: germline.
Comment: This sequence change replaces proline, which is neutral and non-polar, with alanine, which is neutral and non-polar, at codon 42 of the SPAST protein (p.Pro42Ala). This variant is not present in population databases (gnomAD no frequency). This variant has not been reported in the literature in individuals affected with SPAST-related conditions. Advanced modeling of protein sequence and biophysical properties (such as structural, functional, and spatial information, amino acid conservation, physicochemical variation, residue mobility, and thermodynamic stability) performed at Invitae indicates that this missense variant is not expected to disrupt SPAST protein function. In summary, the available evidence is currently insufficient to determine the role of this variant in disease. Therefore, it has been classified as a Variant of Uncertain Significance.